The following is an entry in ClinVar:

NM_001298.3(CNGA3):c.1773C>G (p.Tyr591Ter)

Gene: CNGA3 (cyclic nucleotide gated channel subunit alpha 3; plus strand). Cytogenetic location: 2q11.2.
Variant type: single nucleotide variant.
Coding change: c.1773C>G on transcript NM_001298.3 (MANE Select); coding-DNA position 1773, C replaced by G.
Protein change: p.Tyr591Ter; replaces tyrosine 591 with a stop codon.
Molecular consequence: nonsense.
Genome position (GRCh38, 1-based): chr2:98,396,943, C>G. VCF-style: chr2-98396943-C-G. GRCh37 (hg19) VCF-style: chr2-99013406-C-G.
Other names: c.1719C>G, p.Tyr573Ter (NM_001079878.2); short protein forms Y573*, Y591*.
Identifiers: ClinVar variation 4855189 (VCV004855189.1).

ClinVar aggregate classification (germline): Likely pathogenic (1 of 4 stars; one submission).

Conditions:
Achromatopsia 2 (ACHM2). Also called: COLORBLINDNESS, TOTAL; ROD MONOCHROMACY 2; ROD MONOCHROMATISM 2. Identifiers: Orphanet 49382, MedGen C1857618, MONDO:0009003, OMIM 216900.

Submission:

3billion
Classification: Likely pathogenic for Achromatopsia 2. Last evaluated: 2025-09-17. Review status: criteria provided, single submitter. Criteria: ACMG Guidelines, 2015. Collection method: clinical testing. Allele origin: germline. Affected: yes.
Comment: The variant is not observed in the gnomAD v4.1.0 dataset. Predicted Consequence/Location: Stop-gained (nonsense): predicted to result in a loss or disruption of normal protein function through protein truncation. Multiple pathogenic variants are reported in the predicted truncated region. Therefore, this variant is classified as Likely pathogenic according to the recommendation of ACMG/AMP guideline.